The following is an entry in ClinVar:

NM_001079.4(ZAP70):c.710A>G (p.Glu237Gly)

Gene: ZAP70 (zeta chain of T cell receptor associated protein kinase 70; plus strand). Cytogenetic location: 2q11.2.
Variant type: single nucleotide variant.
Coding change: c.710A>G on transcript NM_001079.4 (MANE Select); coding-DNA position 710, A replaced by G.
Protein change: p.Glu237Gly; replaces glutamic acid 237 with glycine.
Molecular consequence: missense variant.
Genome position (GRCh38, 1-based): chr2:97,733,132, A>G. VCF-style: chr2-97733132-A-G. GRCh37 (hg19) VCF-style: chr2-98349595-A-G.
Other names: c.710A>G, p.Glu237Gly (NM_001378594.1); short protein forms E237G.
Identifiers: ClinVar variation 1402063 (VCV001402063.6), dbSNP rs2104688206, ClinGen allele CA347798232.

ClinVar aggregate classification (germline): Uncertain significance (1 of 4 stars; one submission).

Conditions:
Combined immunodeficiency due to ZAP70 deficiency (IMD48). Also called: Immunodeficiency 48; ZAP70 Deficiency. Identifiers: Orphanet 911, MedGen C2931299, MONDO:0010023, OMIM 269840.

Allele frequency attached by ClinVar (database versions not stated): gnomAD exomes below 0.00001.
gnomAD v4.1: 1 of 1,613,940 alleles (0.000062%); highest among the groups gnomAD compares: Non-Finnish European, 0.000085%; no homozygotes.

Submission:

Labcorp Genetics (formerly Invitae), Labcorp
Classification: Uncertain significance for Combined immunodeficiency due to ZAP70 deficiency. Last evaluated: 2020-11-02. Review status: criteria provided, single submitter. Criteria: Invitae Variant Classification Sherloc (09022015). Collection method: clinical testing. Allele origin: germline.
Comment: In summary, the available evidence is currently insufficient to determine the role of this variant in disease. Therefore, it has been classified as a Variant of Uncertain Significance. Algorithms developed to predict the effect of missense changes on protein structure and function are either unavailable or do not agree on the potential impact of this missense change (SIFT: "Not Available"; PolyPhen-2: "Probably Damaging"; Align-GVGD: "Not Available"). This variant has not been reported in the literature in individuals with ZAP70-related conditions. This variant is not present in population databases (ExAC no frequency). This sequence change replaces glutamic acid with glycine at codon 237 of the ZAP70 protein (p.Glu237Gly). The glutamic acid residue is highly conserved and there is a moderate physicochemical difference between glutamic acid and glycine.